The following is an entry in ClinVar:

ClinVar aggregate classification (germline): Uncertain significance (1 of 4 stars; one submission).

Conditions:
Dilated cardiomyopathy 1KK (CMD1KK). Identifiers: Orphanet 154, Orphanet 75249, MedGen C3714995, MONDO:0014100, OMIM 615248.

Submission:

Labcorp Genetics (formerly Invitae), Labcorp
Classification: Uncertain significance for Dilated cardiomyopathy 1KK. Last evaluated: 2024-02-19. Review status: criteria provided, single submitter. Criteria: Invitae Variant Classification Sherloc (09022015). Collection method: clinical testing. Allele origin: germline.
Comment: This sequence change replaces glutamine, which is neutral and polar, with proline, which is neutral and non-polar, at codon 901 of the MYPN protein (p.Gln901Pro). This variant is not present in population databases (gnomAD no frequency). This variant has not been reported in the literature in individuals affected with MYPN-related conditions. ClinVar contains an entry for this variant (Variation ID: 1999746). An algorithm developed to predict the effect of missense changes on protein structure and function (PolyPhen-2) suggests that this variant is likely to be disruptive. In summary, the available evidence is currently insufficient to determine the role of this variant in disease. Therefore, it has been classified as a Variant of Uncertain Significance.

NM_032578.4(MYPN):c.2702A>C (p.Gln901Pro)

Gene: MYPN (myopalladin; plus strand). Cytogenetic location: 10q21.3.
Variant type: single nucleotide variant.
Coding change: c.2702A>C on transcript NM_032578.4 (MANE Select); coding-DNA position 2702, A replaced by C.
Protein change: p.Gln901Pro; replaces glutamine 901 with proline.
Molecular consequence: missense variant. On other transcripts: non-coding transcript variant (1).
Genome position (GRCh38, 1-based): chr10:68,175,460, A>C. VCF-style: chr10-68175460-A-C. GRCh37 (hg19) VCF-style: chr10-69935217-A-C.
Other names: c.2702A>C, p.Gln901Pro (NM_001256267.2); c.1820A>C, p.Gln607Pro (NM_001256268.2); short protein forms Q607P, Q901P.
Identifiers: ClinVar variation 1999746 (VCV001999746.4), dbSNP rs2495806027, ClinGen allele CA376849582.